The following is an entry in ClinVar:

NM_000037.4(ANK1):c.1150G>A (p.Val384Ile)

Gene: ANK1 (ankyrin 1; minus strand). Cytogenetic location: 8p11.21.
Variant type: single nucleotide variant.
Coding change: c.1150G>A on transcript NM_000037.4 (MANE Select); coding-DNA position 1150, G replaced by A.
Protein change: p.Val384Ile; replaces valine 384 with isoleucine.
Molecular consequence: missense variant.
Genome position (GRCh38, 1-based): chr8:41,718,162, C>T on the plus strand (G>A on the coding strand, the complement: ANK1 is on the minus strand). VCF-style: chr8-41718162-C-T. GRCh37 (hg19) VCF-style: chr8-41575680-C-T.
Other names: c.1249G>A, p.Val417Ile (NM_001142446.2); c.1150G>A, p.Val384Ile (NM_020475.3, NM_020476.3, NM_020477.3); short protein forms V384I, V417I.
Identifiers: ClinVar variation 2226193 (VCV002226193.24), dbSNP rs200898069, ClinGen allele CA4728718.
Genomic context (GRCh38, chr8:41,718,162, plus strand): 5'-CTACCTCGGTGACCGCGTCGATCGAGGCTCCCGTCTTCAGCAGCAGCTCCATGACACGGA[C>T]GTGGTTCTTTTTGCAGGCGATGTGTAAGGGGGTAAAGCCATTCTGCAGCCCACACAAAGG-3'
Protein context (NP_000028.3, residues 374-394): PLHIACKKNH[Val384Ile]RVMELLLKTG

ClinVar aggregate classification (germline): Conflicting classifications of pathogenicity. Review status: criteria provided, conflicting classifications (1 of 4 stars). 4 submissions from 4 submitters: Uncertain significance (2); Likely benign (2). Last evaluated 2026-01-22.

Conditions:
Hereditary spherocytosis type 1. Also called: Spherocytosis type 1; ANK1-Related Spherocytosis. Identifiers: Orphanet 822, MedGen C2674218, MONDO:0008447, OMIM 182900.
Inborn genetic diseases. Identifiers: MedGen C0950123, MeSH D030342.

Allele frequency attached by ClinVar (database versions not stated): gnomAD 0.00004; ExAC 0.00006; ESP Exome Variant Server 0.00008.
gnomAD v4.1: 71 of 1,613,940 alleles (0.0044%); highest among the groups gnomAD compares: Non-Finnish European, 0.0058%; no homozygotes.

Submissions (4):

Labcorp Genetics (formerly Invitae), Labcorp
Classification: Uncertain significance. Last evaluated: 2026-01-22. Review status: criteria provided, single submitter. Criteria: Invitae Variant Classification Sherloc (09022015). Collection method: clinical testing. Allele origin: germline.
Comment: This sequence change replaces valine, which is neutral and non-polar, with isoleucine, which is neutral and non-polar, at codon 384 of the ANK1 protein (p.Val384Ile). This variant is present in population databases (rs200898069, gnomAD 0.009%). This variant has not been reported in the literature in individuals affected with ANK1-related conditions. ClinVar contains an entry for this variant (Variation ID: 2226193). An algorithm developed to predict the effect of missense changes on protein structure and function outputs the following: PolyPhen-2: "Benign". The isoleucine amino acid residue is found in multiple mammalian species, which suggests that this missense change does not adversely affect protein function. In summary, the available evidence is currently insufficient to determine the role of this variant in disease. Therefore, it has been classified as a Variant of Uncertain Significance.

CeGaT Center for Human Genetics Tuebingen
Classification: Likely benign. Last evaluated: 2024-06-01. Review status: criteria provided, single submitter. Criteria: CeGaT Center For Human Genetics Tuebingen Variant Classification Criteria Version 2. Collection method: clinical testing. Allele origin: germline. Affected: yes. Observed: 1 variant allele.
Comment: ANK1: BP4

Ambry Genetics
Classification: Likely benign for Inborn genetic diseases. Last evaluated: 2022-12-28. Review status: criteria provided, single submitter. Criteria: Ambry Variant Classification Scheme 2023. Collection method: clinical testing. Allele origin: germline.

Revvity Omics, Revvity
Classification: Uncertain significance for Hereditary spherocytosis type 1. Last evaluated: 2021-06-03. Review status: criteria provided, single submitter. Criteria: ACMG Guidelines, 2015. Collection method: clinical testing. Allele origin: germline.